The following is an entry in ClinVar:

NM_001374828.1(ARID1B):c.4492del (p.His1498fs)

Gene: ARID1B (AT-rich interaction domain 1B; plus strand). Cytogenetic location: 6q25.3.
Variant type: Deletion.
Coding change: c.4492del on transcript NM_001374828.1 (MANE Select); coding-DNA position 4492, one base deleted (C; older notation c.4492delC).
Protein change: p.His1498fs; shifts the reading frame from histidine 1498.
Molecular consequence: frameshift variant.
Genome position (GRCh38, 1-based): chr6:157,200,717, C deleted; the last of 2 consecutive C bases (chr6:157,200,716-157,200,717); deleting either gives the same sequence. VCF-style (leftmost placement, unchanged base first): chr6-157200715-GC-G. GRCh37 (hg19) VCF-style: chr6-157521849-GC-G.
Other names: c.1993del, p.His665fs (NM_001363725.2); c.4372del, p.His1458fs (NM_001371656.1, NM_001374820.1); c.4621del, p.His1541fs (NM_001438482.1); c.4534del, p.His1512fs (NM_001438483.1); c.4402del, p.His1468fs (NM_001438485.1); c.4375del, p.His1459fs (NM_001438486.1); c.4312del, p.His1438fs (NM_001438487.1); c.1834del, p.His612fs (NM_001438488.1); and 1 more; short protein forms H1438fs, H1445fs, H1458fs, H1459fs, H1468fs, H1498fs, H1512fs, H1541fs.
Identifiers: ClinVar variation 5018720 (VCV005018720.1).
Genomic context (GRCh38, chr6:157,200,715, plus strand): 5'-TTATACCTGTAAGAGCACATCAGGATGATTTGTCTTTCTGTGAATTCCAGAATTACAAAC[GC>G]CATATGGACGGCATGTACGGGCCCCCAGCCAAGCGCCACGAGGGCGACATGTACAACATG-3'

ClinVar aggregate classification (germline): Likely pathogenic (1 of 4 stars; one submission).

Conditions:
Coffin-Siris syndrome 1 (CSS1). Also called: ARID1B-Related Coffin-Siris Syndrome; Mental retardation, autosomal dominant 12. Identifiers: Orphanet 1465, MedGen C3281201, MONDO:0007617, OMIM 135900. Disease mechanism: gain of function.

Submission:

Juno Genomics, Hangzhou Juno Genomics, Inc
Classification: Likely pathogenic for Coffin-Siris syndrome 1. Review status: criteria provided, single submitter. Criteria: ACMG Guidelines, 2015. Collection method: clinical testing. Allele origin: germline. Affected: yes.
Comment: Absent from controls (or at extremely low frequency if recessive) in Genome Aggregation Database.;Null variant in a gene where loss of function (LOF) is a known mechanism of disease.